The following is an entry in ClinVar:

NM_004453.4(ETFDH):c.1080A>G (p.Ala360=)

Gene: ETFDH (electron transfer flavoprotein dehydrogenase; plus strand). Cytogenetic location: 4q32.1.
Variant type: single nucleotide variant.
Coding change: c.1080A>G on transcript NM_004453.4 (MANE Select); coding-DNA position 1080, A replaced by G.
Protein change: p.Ala360=; no amino-acid change (alanine 360 retained).
Molecular consequence: synonymous variant.
Genome position (GRCh38, 1-based): chr4:158,699,094, A>G. VCF-style: chr4-158699094-A-G. GRCh37 (hg19) VCF-style: chr4-159620246-A-G.
Other names: p.A360A:GCA>GCG; c.939A>G, p.Ala313= (NM_001281737.2); c.897A>G, p.Ala299= (NM_001281738.1).
Identifiers: ClinVar variation 137234 (VCV000137234.15), dbSNP rs150020458, ClinGen allele CA290772.

ClinVar aggregate classification (germline): Benign/Likely benign. Review status: criteria provided, multiple submitters, no conflicts (2 of 4 stars). 4 submissions from 4 submitters: Benign (1); Likely benign (2). 1 of the submissions does not count toward it. Last evaluated 2026-01-28.

Conditions:
ETFDH-related disorder. Also called: ETFDH-related condition.
Multiple acyl-CoA dehydrogenase deficiency (MADD). Also called: Glutaric aciduria, type 2; ETHYLMALONIC-ADIPICACIDURIA; GA II; Glutaric acidemia type II; GA 2; Glutaric Acidemia type 2. Identifiers: Orphanet 26791, MedGen C0268596, MONDO:0009282, OMIM 231680.

Allele frequency attached by ClinVar (database versions not stated): TOPMed 0.00014; ExAC 0.00016; gnomAD exomes 0.00016; gnomAD 0.00017 and 0.00019; 1000 Genomes Project 30x 0.00031; ESP Exome Variant Server 0.00031; 1000 Genomes Project 0.00040.
gnomAD v4.1: 567 of 1,614,112 alleles (0.035%); highest among the groups gnomAD compares: Non-Finnish European, 0.047%; no homozygotes.

Submissions (4):

Labcorp Genetics (formerly Invitae), Labcorp
Classification: Likely benign for Multiple acyl-CoA dehydrogenase deficiency. Last evaluated: 2026-01-28. Review status: criteria provided, single submitter. Criteria: Invitae Variant Classification Sherloc (09022015). Collection method: clinical testing. Allele origin: germline.

Blueprint Genetics
Classification: Likely benign. Last evaluated: 2024-03-07. Review status: criteria provided, single submitter. Criteria: ACMG Guidelines, 2015. Collection method: clinical testing. Allele origin: germline.

GeneDx
Classification: Benign. Last evaluated: 2012-09-21. Review status: criteria provided, single submitter. Criteria: GeneDx Variant Classification (06012015). Collection method: clinical testing. Allele origin: germline. Affected: yes.
Comment: This variant is considered likely benign or benign based on one or more of the following criteria: it is a conservative change, it occurs at a poorly conserved position in the protein, it is predicted to be benign by multiple in silico algorithms, and/or has population frequency not consistent with disease.

PreventionGenetics, part of Exact Sciences
Classification: Likely benign for ETFDH-related condition. Last evaluated: 2022-04-15. Review status: no assertion criteria provided. Collection method: clinical testing. Allele origin: germline. Not counted in ClinVar's aggregate classification.
Comment: This variant is classified as likely benign based on ACMG/AMP sequence variant interpretation guidelines (Richards et al. 2015 PMID: 25741868, with internal and published modifications).